The following is an entry in ClinVar:

ClinVar aggregate classification (germline): Uncertain significance (1 of 4 stars; one submission).

Submission:

Labcorp Genetics (formerly Invitae), Labcorp
Classification: Uncertain significance. Last evaluated: 2024-01-03. Review status: criteria provided, single submitter. Criteria: Invitae Variant Classification Sherloc (09022015). Collection method: clinical testing. Allele origin: germline.
Comment: This sequence change replaces glycine, which is neutral and non-polar, with arginine, which is basic and polar, at codon 1397 of the NEXMIF protein (p.Gly1397Arg). This variant is not present in population databases (gnomAD no frequency). This variant has not been reported in the literature in individuals affected with NEXMIF-related conditions. An algorithm developed to predict the effect of missense changes on protein structure and function (PolyPhen-2) suggests that this variant is likely to be disruptive. In summary, the available evidence is currently insufficient to determine the role of this variant in disease. Therefore, it has been classified as a Variant of Uncertain Significance.

NM_001008537.3(NEXMIF):c.4189G>C (p.Gly1397Arg)

Gene: NEXMIF (neurite extension and migration factor; minus strand). Cytogenetic location: Xq13.3.
Variant type: single nucleotide variant.
Coding change: c.4189G>C on transcript NM_001008537.3 (MANE Select); coding-DNA position 4189, G replaced by C.
Protein change: p.Gly1397Arg; replaces glycine 1397 with arginine.
Molecular consequence: missense variant.
Genome position (GRCh38, 1-based): chrX:74,740,368, C>G on the plus strand (G>C on the coding strand, the complement: NEXMIF is on the minus strand). VCF-style: chrX-74740368-C-G. GRCh37 (hg19) VCF-style: chrX-73960203-C-G.
Other names: short protein forms G1397R.
Identifiers: ClinVar variation 2707146 (VCV002707146.3), dbSNP rs2080098214, ClinGen allele CA413663829.